The following is an entry in ClinVar:

ClinVar aggregate classification (germline): Uncertain significance (1 of 4 stars; one submission).

Conditions:
Familial adenomatous polyposis 1 (FAP1). Also called: FAMILIAL ADENOMATOUS POLYPOSIS 1, ATTENUATED; POLYPOSIS, ADENOMATOUS INTESTINAL. Identifiers: MedGen C2713442, MONDO:0021056, OMIM 175100. Disease mechanism: loss of function.

Submission:

Labcorp Genetics (formerly Invitae), Labcorp
Classification: Uncertain significance for Familial adenomatous polyposis 1. Last evaluated: 2022-05-25. Review status: criteria provided, single submitter. Criteria: Invitae Variant Classification Sherloc (09022015). Collection method: clinical testing. Allele origin: germline.
Comment: In summary, the available evidence is currently insufficient to determine the role of this variant in disease. Therefore, it has been classified as a Variant of Uncertain Significance. Algorithms developed to predict the effect of missense changes on protein structure and function are either unavailable or do not agree on the potential impact of this missense change (SIFT: "Tolerated"; PolyPhen-2: "Possibly Damaging"; Align-GVGD: "Class C0"). This variant has not been reported in the literature in individuals affected with APC-related conditions. This variant is not present in population databases (gnomAD no frequency). This sequence change replaces glutamine, which is neutral and polar, with histidine, which is basic and polar, at codon 1071 of the APC protein (p.Gln1071His).

NM_000038.6(APC):c.3213A>C (p.Gln1071His)

Gene: APC (APC regulator of Wnt signaling pathway; plus strand). Cytogenetic location: 5q22.2.
Variant type: single nucleotide variant.
Coding change: c.3213A>C on transcript NM_000038.6 (MANE Select); coding-DNA position 3213, A replaced by C.
Protein change: p.Gln1071His; replaces glutamine 1071 with histidine.
Molecular consequence: missense variant.
Genome position (GRCh38, 1-based): chr5:112,838,807, A>C. VCF-style: chr5-112838807-A-C. GRCh37 (hg19) VCF-style: chr5-112174504-A-C.
Other names: c.3213A>C, p.Gln1071His (NM_001127510.3, NM_001354895.2, NM_001407450.1); c.3159A>C, p.Gln1053His (NM_001127511.3); c.3267A>C, p.Gln1089His (NM_001354896.2, NM_001407447.1, NM_001407448.1 and 1 more transcripts); c.3243A>C, p.Gln1081His (NM_001354897.2); c.3138A>C, p.Gln1046His (NM_001354898.2); c.3129A>C, p.Gln1043His (NM_001354899.2); c.3090A>C, p.Gln1030His (NM_001354900.2); c.3036A>C, p.Gln1012His (NM_001354901.2, NM_001407453.1); and 11 more; short protein forms Q1053H, Q1061H, Q1064H, Q988H, Q1089H, Q942H, Q945H, Q970H.
Identifiers: ClinVar variation 1941995 (VCV001941995.5), dbSNP rs2149887030, ClinGen allele CA16028382.